The following is an entry in ClinVar:

NM_001377.3(DYNC2H1):c.12765+200A>T

Gene: DYNC2H1 (dynein cytoplasmic 2 heavy chain 1; plus strand). Cytogenetic location: 11q22.3.
Variant type: single nucleotide variant.
Coding change: c.12765+200A>T on transcript NM_001377.3 (MANE Select); 200 bases into the intron after coding-DNA position 12765, A replaced by T.
Molecular consequence: intron variant.
Genome position (GRCh38, 1-based): chr11:103,468,905, A>T. VCF-style: chr11-103468905-A-T. GRCh37 (hg19) VCF-style: chr11-103339633-A-T.
Other names: c.12786+200A>T (NM_001080463.2).
Identifiers: ClinVar variation 667818 (VCV000667818.1), dbSNP rs17100974, ClinGen allele CA227465321.

ClinVar aggregate classification (germline): Benign (1 of 4 stars; one submission).

Allele frequency attached by ClinVar (database versions not stated): gnomAD 0.15980 and 0.16413; TOPMed 0.17095; 1000 Genomes Project 30x 0.18567; 1000 Genomes Project 0.18790.
gnomAD v4.1: 24,855 of 152,182 alleles (16%); highest among the groups gnomAD compares: Admixed American, 25%; 2,186 homozygotes.

Submission:

GeneDx
Classification: Benign. Last evaluated: 2018-06-17. Review status: criteria provided, single submitter. Criteria: GeneDx Variant Classification (06012015). Collection method: clinical testing. Allele origin: germline. Affected: yes.
Comment: This variant is considered likely benign or benign based on one or more of the following criteria: it is a conservative change, it occurs at a poorly conserved position in the protein, it is predicted to be benign by multiple in silico algorithms, and/or has population frequency not consistent with disease.